The following is an entry in ClinVar:

NM_000748.3(CHRNB2):c.1046T>A (p.Met349Lys)

Gene: CHRNB2 (cholinergic receptor nicotinic beta 2 subunit; plus strand). Cytogenetic location: 1q21.3.
Variant type: single nucleotide variant.
Coding change: c.1046T>A on transcript NM_000748.3 (MANE Select); coding-DNA position 1046, T replaced by A.
Protein change: p.Met349Lys; replaces methionine 349 with lysine.
Molecular consequence: missense variant.
Genome position (GRCh38, 1-based): chr1:154,571,869, T>A. VCF-style: chr1-154571869-T-A. GRCh37 (hg19) VCF-style: chr1-154544345-T-A.
Other names: short protein forms M349K.
Identifiers: ClinVar variation 1326819 (VCV001326819.2), dbSNP rs141735618, ClinGen allele CA342631369.
Genomic context (GRCh38, chr1:154,571,869, plus strand): 5'-ACACCATGGCGCCCTGGGTGAAGGTCGTCTTCCTGGAGAAGCTGCCCGCGCTGCTCTTCA[T>A]GCAGCAGCCACGCCATCATTGCGCCCGTCAGCGCCTGCGCCTGCGGCGACGCCAGCGTGA-3'
Protein context (NP_000739.1, residues 339-359): FLEKLPALLF[Met349Lys]QQPRHHCARQ

ClinVar aggregate classification (germline): Uncertain significance (1 of 4 stars; one submission).

gnomAD v4.1: 1 of 1,603,882 alleles (0.000062%); highest among the groups gnomAD compares: Non-Finnish European, 0.000085%; no homozygotes.

Submission:

GeneDx
Classification: Uncertain significance. Last evaluated: 2021-05-26. Review status: criteria provided, single submitter. Criteria: GeneDx Variant Classification Process June 2021. Collection method: clinical testing. Allele origin: germline. Affected: yes.
Comment: Not observed at significant frequency in large population cohorts (Lek et al., 2016); In silico analysis supports that this missense variant has a deleterious effect on protein structure/function; Has not been previously published as pathogenic or benign to our knowledge